The following is an entry in ClinVar:

ClinVar aggregate classification (germline): Uncertain significance. Review status: criteria provided, multiple submitters, no conflicts (2 of 4 stars). 3 submissions from 3 submitters: Uncertain significance (3). Last evaluated 2022-07-18.

Conditions:
Charcot-Marie-Tooth disease. Also called: Charcot-Marie-Tooth Hereditary Neuropathy; Charcot-Marie-Tooth Neuropathy. Identifiers: Orphanet 166, MedGen C0007959, MONDO:0015626.
Autosomal recessive distal spinal muscular atrophy 1. Also called: SEVERE INFANTILE AXONAL NEUROPATHY WITH RESPIRATORY FAILURE; SPINAL MUSCULAR ATROPHY, DIAPHRAGMATIC; Spinal muscular atrophy with respiratory distress 1; HMN VI; NEURONOPATHY, DISTAL HEREDITARY MOTOR, HARDING TYPE VI; NEUROPATHY, DISTAL HEREDITARY MOTOR, AUTOSOMAL RECESSIVE 1. Identifiers: Orphanet 98920, MedGen C1858517, MONDO:0011436, OMIM 604320.
Charcot-Marie-Tooth disease axonal type 2S. Also called: CHARCOT-MARIE-TOOTH NEUROPATHY, TYPE 2S; CHARCOT-MARIE-TOOTH DISEASE, AXONAL, AUTOSOMAL RECESSIVE, TYPE 2S. Identifiers: Orphanet 443073, MedGen C4015349, MONDO:0014511, OMIM 616155.

Allele frequency attached by ClinVar (database versions not stated): ExAC 0.00001; gnomAD 0.00001; TOPMed 0.00001.

Submissions (3):

Labcorp Genetics (formerly Invitae), Labcorp
Classification: Uncertain significance for Autosomal recessive distal spinal muscular atrophy 1; Charcot-Marie-Tooth disease axonal type 2S. Last evaluated: 2022-07-18. Review status: criteria provided, single submitter. Criteria: Invitae Variant Classification Sherloc (09022015). Collection method: clinical testing. Allele origin: germline.
Comment: This sequence change replaces valine, which is neutral and non-polar, with isoleucine, which is neutral and non-polar, at codon 293 of the IGHMBP2 protein (p.Val293Ile). This variant is present in population databases (rs761171176, gnomAD 0.002%). This missense change has been observed in individual(s) with Charcot-Marie-Tooth disease (PMID: 32376792). ClinVar contains an entry for this variant (Variation ID: 392704). Advanced modeling of protein sequence and biophysical properties (such as structural, functional, and spatial information, amino acid conservation, physicochemical variation, residue mobility, and thermodynamic stability) performed at Invitae indicates that this missense variant is not expected to disrupt IGHMBP2 protein function. In summary, the available evidence is currently insufficient to determine the role of this variant in disease. Therefore, it has been classified as a Variant of Uncertain Significance.

GeneDx
Classification: Uncertain significance. Last evaluated: 2017-01-11. Review status: criteria provided, single submitter. Criteria: GeneDx Variant Classification (06012015). Collection method: clinical testing. Allele origin: germline. Affected: yes.
Comment: A variant of uncertain significance has been identified in the IGHMBP2 gene. The V293I variant has not been published as a pathogenic variant, nor has it been reported as a benign variant to our knowledge. The V293I variant is not observed at a significant frequency in large population cohorts (Lek et al., 2016; 1000 Genomes Consortium et al., 2015; Exome Variant Server). The V293I variant is a conservative amino acid substitution, which is not likely to impact secondary protein structure as these residues share similar properties. This substitution occurs at a position where amino acids with similar properties to Valine are tolerated across species. However, in silico analysis is inconsistent in its predictions as to whether or not the variant is damaging to the protein structure/function. Therefore, based on the currently available information, it is unclear whether this variant is a pathogenic variant or a rare benign variant.

Molecular Genetics Laboratory, London Health Sciences Centre
Classification: Uncertain significance for Charcot-Marie-Tooth disease. Review status: criteria provided, single submitter. Criteria: ACMG Guidelines, 2015. Collection method: clinical testing. Allele origin: germline. Affected: yes.

Literature cited by the submitters: PubMed 32376792 (cited by Labcorp Genetics (formerly Invitae), Labcorp).

NM_002180.3(IGHMBP2):c.877G>A (p.Val293Ile)

Gene: IGHMBP2 (immunoglobulin mu DNA binding protein 2; plus strand). Cytogenetic location: 11q13.3.
Variant type: single nucleotide variant.
Coding change: c.877G>A on transcript NM_002180.3 (MANE Select); coding-DNA position 877, G replaced by A.
Protein change: p.Val293Ile; replaces valine 293 with isoleucine.
Molecular consequence: missense variant.
Genome position (GRCh38, 1-based): chr11:68,914,988, G>A. VCF-style: chr11-68914988-G-A. GRCh37 (hg19) VCF-style: chr11-68682456-G-A.
Other names: short protein forms V293I.
Identifiers: ClinVar variation 392704 (VCV000392704.11), dbSNP rs761171176, ClinGen allele CA6153420.